The following is an entry in ClinVar:

ClinVar aggregate classification (germline): Uncertain significance (1 of 4 stars; one submission).

Allele frequency attached by ClinVar (database versions not stated): gnomAD exomes below 0.00001.
gnomAD v4.1: 1 of 1,614,038 alleles (0.000062%); highest among the groups gnomAD compares: Non-Finnish European, 0.000085%; no homozygotes.

Submission:

Labcorp Genetics (formerly Invitae), Labcorp
Classification: Uncertain significance. Last evaluated: 2024-02-24. Review status: criteria provided, single submitter. Criteria: Invitae Variant Classification Sherloc (09022015). Collection method: clinical testing. Allele origin: germline.
Comment: This sequence change replaces serine, which is neutral and polar, with cysteine, which is neutral and slightly polar, at codon 175 of the WHRN protein (p.Ser175Cys). This variant is not present in population databases (gnomAD no frequency). This variant has not been reported in the literature in individuals affected with WHRN-related conditions. ClinVar contains an entry for this variant (Variation ID: 1387061). An algorithm developed to predict the effect of missense changes on protein structure and function (PolyPhen-2) suggests that this variant is likely to be disruptive. In summary, the available evidence is currently insufficient to determine the role of this variant in disease. Therefore, it has been classified as a Variant of Uncertain Significance.

NM_015404.4(WHRN):c.524C>G (p.Ser175Cys)

Gene: WHRN (whirlin; minus strand). Cytogenetic location: 9q32.
Variant type: single nucleotide variant.
Coding change: c.524C>G on transcript NM_015404.4 (MANE Select); coding-DNA position 524, C replaced by G.
Protein change: p.Ser175Cys; replaces serine 175 with cysteine.
Molecular consequence: missense variant.
Genome position (GRCh38, 1-based): chr9:114,504,278, G>C on the plus strand (C>G on the coding strand, the complement: WHRN is on the minus strand). VCF-style: chr9-114504278-G-C. GRCh37 (hg19) VCF-style: chr9-117266558-G-C.
Other names: c.524C>G, p.Ser175Cys (NM_001173425.2); short protein forms S175C.
Identifiers: ClinVar variation 1387061 (VCV001387061.8), dbSNP rs2133473387, ClinGen allele CA374611940.